The following is an entry in ClinVar:

ClinVar aggregate classification (germline): Pathogenic. Review status: criteria provided, multiple submitters, no conflicts (2 of 4 stars). 2 submissions from 2 submitters: Pathogenic (2). Last evaluated 2024-01-31.

Conditions:
Familial cancer of breast. Also called: Hereditary breast cancer; BREAST CANCER, FAMILIAL; hereditary breast carcinoma. Identifiers: Orphanet 227535, MedGen C0346153, MONDO:0016419, OMIM 114480. Disease mechanism: loss of function.
Ataxia-telangiectasia syndrome (AT). Also called: Ataxia-telangiectasia, complementation group D; AT, COMPLEMENTATION GROUP C; ATAXIA-TELANGIECTASIA, COMPLEMENTATION GROUP A; ATAXIA-TELANGIECTASIA, FRESNO VARIANT; Ataxia-telangiectasia; LOUIS-BAR SYNDROME. Identifiers: Orphanet 100, MedGen C0004135, MONDO:0008840, OMIM 208900.

Submissions (2):

Myriad Genetics, Inc.
Classification: Pathogenic for Familial cancer of breast. Last evaluated: 2024-01-31. Review status: criteria provided, single submitter. Criteria: Myriad Autosomal Dominant, Autosomal Recessive and X-Linked Classification Criteria (2023). Collection method: clinical testing. Allele origin: unknown.
Comment: This variant is considered pathogenic. This variant creates a frameshift predicted to result in premature protein truncation.

Labcorp Genetics (formerly Invitae), Labcorp
Classification: Pathogenic for Ataxia-telangiectasia syndrome. Last evaluated: 2018-12-24. Review status: criteria provided, single submitter. Criteria: Invitae Variant Classification Sherloc (09022015). Collection method: clinical testing. Allele origin: germline.
Comment: For these reasons, this variant has been classified as Pathogenic. Loss-of-function variants in ATM are known to be pathogenic (PMID: 23807571, 25614872). This variant has not been reported in the literature in individuals with ATM-related conditions. This variant is not present in population databases (ExAC no frequency). This sequence change creates a premature translational stop signal (p.Glu2423Lysfs*2) in the ATM gene. It is expected to result in an absent or disrupted protein product.

Literature cited by the submitters: PubMed 23807571 (cited by Labcorp Genetics (formerly Invitae), Labcorp); PubMed 25614872 (cited by Labcorp Genetics (formerly Invitae), Labcorp).

NM_000051.4(ATM):c.7267_7270delinsTAC (p.Glu2423fs)

Genes: ATM (ATM serine/threonine kinase; plus strand), C11orf65 (chromosome 11 open reading frame 65; minus strand). Cytogenetic location: 11q22.3.
Variant type: Indel.
Coding change: c.7267_7270delinsTAC on transcript NM_000051.4 (MANE Select); coding-DNA positions 7267 to 7270, GAAG replaced by TAC.
Protein change: p.Glu2423fs; shifts the reading frame from glutamic acid 2423.
Molecular consequence: frameshift variant. On other transcripts: intron variant (2).
Genome position (GRCh38, 1-based): chr11:108,329,198-108,329,201, GAAG replaced by TAC. VCF-style: chr11-108329198-GAAG-TAC. GRCh37 (hg19) VCF-style: chr11-108199925-GAAG-TAC.
Other names: c.7267_7270delGAAGinsTAC, p.Glu2423Tyrfs (NM_000051.3); c.7267_7270delinsTAC, p.Glu2423fs (NM_001351834.2); c.641-20130_641-20127delinsGTA (NM_001330368.2); c.*38+6019_*38+6022delinsGTA (NM_001351110.2); short protein forms E2423fs.
Identifiers: ClinVar variation 656093 (VCV000656093.8), dbSNP rs1591152021, ClinGen allele CA915948279.